The following is an entry in ClinVar:

NM_000088.4(COL1A1):c.1462-3C>A

Gene: COL1A1 (collagen type I alpha 1 chain; minus strand). Cytogenetic location: 17q21.33.
Variant type: single nucleotide variant.
Coding change: c.1462-3C>A on transcript NM_000088.4 (MANE Select); 3 bases into the intron before coding-DNA position 1462, C replaced by A.
Molecular consequence: intron variant.
Genome position (GRCh38, 1-based): chr17:50,194,629, G>T on the plus strand (C>A on the coding strand, the complement: COL1A1 is on the minus strand). VCF-style: chr17-50194629-G-T. GRCh37 (hg19) VCF-style: chr17-48271990-G-T.
Other names: c.1462-3C>A (NM_000088.3).
Identifiers: ClinVar variation 1362073 (VCV001362073.7), dbSNP rs2144572314, ClinGen allele CA2573154183.

ClinVar aggregate classification (germline): Uncertain significance. Review status: criteria provided, multiple submitters, no conflicts (2 of 4 stars). 2 submissions from 2 submitters: Uncertain significance (2). Last evaluated 2023-08-03.

Conditions:
COL1A1-related disorder. Also called: COL1A1-related condition; COL1A1- related disease.
Osteogenesis imperfecta type I (OI1). Also called: OI, TYPE I; OSTEOGENESIS IMPERFECTA TARDA; OSTEOGENESIS IMPERFECTA WITH BLUE SCLERAE; Osteogenesis imperfecta type 1; Lobstein's Disease; Lobstein disease. Identifiers: Orphanet 216796, Orphanet 666, MedGen C0023931, MONDO:0008146, OMIM 166200. Disease mechanism: loss of function.

Submissions (2):

PreventionGenetics, part of Exact Sciences
Classification: Uncertain significance for COL1A1-related condition. Last evaluated: 2023-08-03. Review status: criteria provided, single submitter. Criteria: ACMG Guidelines, 2015. Collection method: clinical testing. Allele origin: germline.
Comment: The COL1A1 c.1462-3C>A variant is predicted to interfere with splicing. To our knowledge, this variant has not been reported in the literature or in a large population database, indicating this variant is rare. An alternate C-to-G nucleotide change at this position has been reported in an individual with osteogenesis imperfecta type II and RNA studies demonstrate exon 22 skipping (Figure 4, Table S7 to S9, referred to as c.1462-3C>G or IVS21-3G>C, Schleit et al. 2015. PubMed ID: 25963598). Although we suspect that this variant may be pathogenic, at this time, the clinical significance of this variant is uncertain due to the absence of conclusive functional and genetic evidence.

Labcorp Genetics (formerly Invitae), Labcorp
Classification: Uncertain significance for Osteogenesis imperfecta type I. Last evaluated: 2023-06-10. Review status: criteria provided, single submitter. Criteria: Invitae Variant Classification Sherloc (09022015). Collection method: clinical testing. Allele origin: germline.
Comment: In summary, the available evidence is currently insufficient to determine the role of this variant in disease. Therefore, it has been classified as a Variant of Uncertain Significance. This variant disrupts the c.1462-3C nucleotide in the COL1A1 gene. Other variant(s) that disrupt this nucleotide have been determined to be pathogenic (PMID: 25963598). This suggests that this nucleotide is clinically significant, and that variants that disrupt this position are likely to be disease-causing. Variants that disrupt the consensus splice site are a relatively common cause of aberrant splicing (PMID: 17576681, 9536098). Algorithms developed to predict the effect of sequence changes on RNA splicing suggest that this variant is not likely to affect RNA splicing. ClinVar contains an entry for this variant (Variation ID: 1362073). This variant has not been reported in the literature in individuals affected with COL1A1-related conditions. This variant is not present in population databases (gnomAD no frequency). This sequence change falls in intron 21 of the COL1A1 gene. It does not directly change the encoded amino acid sequence of the COL1A1 protein. It affects a nucleotide within the consensus splice site.

Literature cited by the submitters: PubMed 25963598 (cited by Labcorp Genetics (formerly Invitae), Labcorp); PubMed 17576681 (cited by Labcorp Genetics (formerly Invitae), Labcorp); PubMed 9536098 (cited by Labcorp Genetics (formerly Invitae), Labcorp).